The following is an entry in ClinVar:

ClinVar aggregate classification (germline): Uncertain significance. Review status: criteria provided, multiple submitters, no conflicts (2 of 4 stars). 2 submissions from 2 submitters: Uncertain significance (2). Last evaluated 2023-06-15.

Conditions:
Ehlers-Danlos syndrome, classic type, 1 (EDSCL1). Also called: EHLERS-DANLOS SYNDROME, GRAVIS TYPE; EHLERS-DANLOS SYNDROME, SEVERE CLASSIC TYPE; Ehlers-Danlos syndrome, type 1; EDS I; Ehlers-Danlos Syndrome, Classic Type, COL5A1-Related. Identifiers: MedGen C0268335, MONDO:0019567, OMIM 130000.

gnomAD v4.1: 1 of 1,608,072 alleles (0.000062%); highest among the groups gnomAD compares: Non-Finnish European, 0.000085%; no homozygotes.

Submissions (2):

GeneDx
Classification: Uncertain significance. Last evaluated: 2023-06-15. Review status: criteria provided, single submitter. Criteria: GeneDx Variant Classification Process June 2021. Collection method: clinical testing. Allele origin: germline. Affected: yes.
Comment: Has not been previously published as pathogenic or benign to our knowledge; Not observed at significant frequency in large population cohorts (gnomAD); In silico analysis supports that this missense variant does not alter protein structure/function

Labcorp Genetics (formerly Invitae), Labcorp
Classification: Uncertain significance for Ehlers-Danlos syndrome, classic type, 1. Last evaluated: 2021-09-24. Review status: criteria provided, single submitter. Criteria: Invitae Variant Classification Sherloc (09022015). Collection method: clinical testing. Allele origin: germline.
Comment: In summary, the available evidence is currently insufficient to determine the role of this variant in disease. Therefore, it has been classified as a Variant of Uncertain Significance. Advanced modeling of protein sequence and biophysical properties (such as structural, functional, and spatial information, amino acid conservation, physicochemical variation, residue mobility, and thermodynamic stability) performed at Invitae indicates that this missense variant is not expected to disrupt COL5A2 protein function. This variant has not been reported in the literature in individuals affected with COL5A2-related conditions. This variant is not present in population databases (ExAC no frequency). This sequence change replaces proline with histidine at codon 1169 of the COL5A2 protein (p.Pro1169His). The proline residue is highly conserved and there is a moderate physicochemical difference between proline and histidine.

NM_000393.5(COL5A2):c.3506C>A (p.Pro1169His)

Gene: COL5A2 (collagen type V alpha 2 chain; minus strand). Cytogenetic location: 2q32.2.
Variant type: single nucleotide variant.
Coding change: c.3506C>A on transcript NM_000393.5 (MANE Select); coding-DNA position 3506, C replaced by A.
Protein change: p.Pro1169His; replaces proline 1169 with histidine.
Molecular consequence: missense variant.
Genome position (GRCh38, 1-based): chr2:189,042,739, G>T on the plus strand (C>A on the coding strand, the complement: COL5A2 is on the minus strand). VCF-style: chr2-189042739-G-T. GRCh37 (hg19) VCF-style: chr2-189907465-G-T.
Other names: c.3506C>A (NM_000393.3); short protein forms P1169H.
Identifiers: ClinVar variation 1377694 (VCV001377694.4), dbSNP rs2153506953, ClinGen allele CA349860446.